The following is an entry in ClinVar:

NM_002335.4(LRP5):c.500G>C (p.Trp167Ser)

Gene: LRP5 (LDL receptor related protein 5; plus strand). Cytogenetic location: 11q13.2.
Variant type: single nucleotide variant.
Coding change: c.500G>C on transcript NM_002335.4 (MANE Select); coding-DNA position 500, G replaced by C.
Protein change: p.Trp167Ser; replaces tryptophan 167 with serine.
Molecular consequence: missense variant. On other transcripts: 5 prime UTR variant (1).
Genome position (GRCh38, 1-based): chr11:68,357,661, G>C. VCF-style: chr11-68357661-G-C. GRCh37 (hg19) VCF-style: chr11-68125129-G-C.
Other names: c.-1266G>C (NM_001291902.2); short protein forms W167S.
Identifiers: ClinVar variation 208784 (VCV000208784.4), dbSNP rs770383372, ClinGen allele CA204903.

ClinVar aggregate classification (germline): Conflicting classifications of pathogenicity. Review status: criteria provided, conflicting classifications (1 of 4 stars). 2 submissions from 2 submitters: Pathogenic (1); Uncertain significance (1). Last evaluated 2026-02-15.

Conditions:
Inborn genetic diseases. Identifiers: MedGen C0950123, MeSH D030342.

Submissions (2):

GeneDx
Classification: Uncertain significance. Last evaluated: 2026-02-15. Review status: criteria provided, single submitter. Criteria: GeneDx Variant Classification Process June 2021. Collection method: clinical testing. Allele origin: germline.
Comment: Not observed at significant frequency in large population cohorts (gnomAD); In silico analysis supports that this missense variant has a deleterious effect on protein structure/function; Has not been previously published as pathogenic or benign to our knowledge

Ambry Genetics
Classification: Pathogenic for Inborn genetic diseases. Last evaluated: 2013-07-12. Review status: criteria provided, single submitter. Criteria: Ambry Autosomal Dominant and X-Linked criteria (10/2015). Collection method: clinical testing. Allele origin: germline. Observed: 1 variant allele.